The following is an entry in ClinVar:

ClinVar aggregate classification (germline): Uncertain significance. Review status: criteria provided, multiple submitters, no conflicts (2 of 4 stars). 5 submissions from 4 submitters: Uncertain significance (5). Last evaluated 2024-03-29.

Conditions:
Inborn genetic diseases. Identifiers: MedGen C0950123, MeSH D030342.
Short-rib thoracic dysplasia 7 with or without polydactyly (SRTD7). Also called: Short rib polydactyly syndrome 5; SHORT-RIB THORACIC DYSPLASIA 7 WITH POLYDACTYLY. Identifiers: Orphanet 498497, Orphanet 93271, MedGen C3279792, MONDO:0013569, OMIM 614091.
Cranioectodermal dysplasia 2 (CED2). Identifiers: Orphanet 1515, MedGen C3150874, MONDO:0013323, OMIM 613610.

Allele frequency attached by ClinVar (database versions not stated): ExAC 0.00007; gnomAD 0.00007 and 0.00008; gnomAD exomes 0.00007 and 0.00010; TOPMed 0.00007; ESP Exome Variant Server 0.00015.
gnomAD v4.1: 157 of 1,614,054 alleles (0.0097%); highest among the groups gnomAD compares: Non-Finnish European, 0.013%; no homozygotes.

Submissions (5):

Fulgent Genetics
Classification: Uncertain significance for Cranioectodermal dysplasia 2; Short-rib thoracic dysplasia 7 with or without polydactyly. Last evaluated: 2024-03-29. Review status: criteria provided, single submitter. Criteria: ACMG Guidelines, 2015. Collection method: clinical testing. Allele origin: germline.

Ambry Genetics
Classification: Uncertain significance for Inborn genetic diseases. Last evaluated: 2022-10-12. Review status: criteria provided, single submitter. Criteria: Ambry Variant Classification Scheme 2023. Collection method: clinical testing. Allele origin: germline.

Labcorp Genetics (formerly Invitae), Labcorp
Classification: Uncertain significance for Cranioectodermal dysplasia 2; Short-rib thoracic dysplasia 7 with or without polydactyly. Last evaluated: 2022-06-26. Review status: criteria provided, single submitter. Criteria: Invitae Variant Classification Sherloc (09022015). Collection method: clinical testing. Allele origin: germline.
Comment: This sequence change replaces tryptophan, which is neutral and slightly polar, with cysteine, which is neutral and slightly polar, at codon 22 of the WDR35 protein (p.Trp22Cys). This variant is present in population databases (rs201860485, gnomAD 0.01%). This variant has not been reported in the literature in individuals affected with WDR35-related conditions. ClinVar contains an entry for this variant (Variation ID: 896705). Algorithms developed to predict the effect of missense changes on protein structure and function (SIFT, PolyPhen-2, Align-GVGD) all suggest that this variant is likely to be disruptive. In summary, the available evidence is currently insufficient to determine the role of this variant in disease. Therefore, it has been classified as a Variant of Uncertain Significance.

Illumina Laboratory Services, Illumina
Classification: Uncertain significance for Short-rib thoracic dysplasia 7 with or without polydactyly. Last evaluated: 2018-01-13. Review status: criteria provided, single submitter. Criteria: ICSL Variant Classification Criteria 13 December 2019. Collection method: clinical testing. Allele origin: germline.

Illumina Laboratory Services, Illumina
Classification: Uncertain significance for Cranioectodermal dysplasia 2. Last evaluated: 2018-01-13. Review status: criteria provided, single submitter. Criteria: ICSL Variant Classification Criteria 13 December 2019. Collection method: clinical testing. Allele origin: germline.

NM_020779.4(WDR35):c.66G>T (p.Trp22Cys)

Gene: WDR35 (WD repeat domain 35; minus strand). Cytogenetic location: 2p24.1.
Variant type: single nucleotide variant.
Coding change: c.66G>T on transcript NM_020779.4 (MANE Select); coding-DNA position 66, G replaced by T.
Protein change: p.Trp22Cys; replaces tryptophan 22 with cysteine.
Molecular consequence: missense variant.
Genome position (GRCh38, 1-based): chr2:19,989,241, C>A on the plus strand (G>T on the coding strand, the complement: WDR35 is on the minus strand). VCF-style: chr2-19989241-C-A. GRCh37 (hg19) VCF-style: chr2-20189002-C-A.
Other names: c.66G>T, p.Trp22Cys (NM_001006657.2); short protein forms W22C.
Identifiers: ClinVar variation 896705 (VCV000896705.7), dbSNP rs201860485, ClinGen allele CA1543645.
Genomic context (GRCh38, chr2:19,989,241, plus strand): 5'-TTTCAAAACTTTCAGTAATCCATCTTCACCACCGCATGCTATGAACCCTTGTTCCTTGTT[C>A]CAGGATACACACTGCAGCTTCACGTTATTGGGAATGGAAATCTGAAAAAGCAACCACAGC-3'
Protein context (NP_065830.2, residues 12-32): PNNVKLQCVS[Trp22Cys]NKEQGFIACG